The following is an entry in ClinVar:

GRCh38/hg38 22q11.22-11.23(chr22:22651209-23299955)x1

Genes: BCR (BCR activator of RhoGEF and GTPase; plus strand), GNAZ (G protein subunit alpha z; plus strand), IGL (immunoglobulin lambda locus; plus strand), IGLC1 (immunoglobulin lambda constant 1; plus strand), IGLC2 (immunoglobulin lambda constant 2; plus strand) and 78 more. Cytogenetic location: 22q11.22-11.23.
Variant type: copy number loss.
Change: copy number 1 (one copy instead of two) of chr22:22,651,209-23,299,955 (648.7 kb, GRCh38 coordinates, 1-based), cytogenetic band 22q11.22-11.23.
Identifiers: ClinVar variation 59284 (VCV000059284.2).

ClinVar aggregate classification (germline): Pathogenic (1 of 4 stars; one submission).

Submission:

ISCA Site 6
Classification: Pathogenic. Last evaluated: 2011-08-12. Review status: criteria provided, single submitter. Criteria: Kaminsky et al. (Genet Med. 2011). Collection method: clinical testing. Allele origin: unknown. Affected: yes. Observed: 1 variant allele.
Comment: Copy number variation identified through the course of routine clinical cytogenomic testing in postnatal populations. Clinical assertions have been curated as described in Kaminsky et al. 2011.